The following is an entry in ClinVar:

ClinVar aggregate classification (germline): Benign/Likely benign. Review status: criteria provided, multiple submitters, no conflicts (2 of 4 stars). 3 submissions from 3 submitters: Benign (1); Likely benign (2). Last evaluated 2025-01-03.

Conditions:
Lynch syndrome 5 (LYNCH5). Also called: Colorectal cancer, hereditary nonpolyposis, type 5; Hereditary non-polyposis colorectal cancer, type 5. Identifiers: Orphanet 144, MedGen C1833477, MONDO:0013710, OMIM 614350. Disease mechanism: loss of function.
Hereditary nonpolyposis colorectal neoplasms. Identifiers: MedGen C0009405, MeSH D003123.
Hereditary cancer-predisposing syndrome. Also called: Neoplastic Syndromes, Hereditary; Hereditary neoplastic syndrome; Tumor predisposition; Hereditary Cancer Syndrome. Identifiers: Orphanet 140162, MedGen C0027672, MeSH D009386, MONDO:0015356.

Allele frequency attached by ClinVar (database versions not stated): gnomAD exomes below 0.00001.
gnomAD v4.1: 2 of 1,605,140 alleles (0.00012%); highest among the groups gnomAD compares: Non-Finnish European, 0.00017%; no homozygotes.

Submissions (3):

Myriad Genetics, Inc.
Classification: Benign for Lynch syndrome 5. Last evaluated: 2025-01-03. Review status: criteria provided, single submitter. Criteria: Myriad Autosomal Dominant, Autosomal Recessive and X-Linked Classification Criteria (2023). Collection method: clinical testing. Allele origin: unknown.
Comment: This variant is considered benign. This variant is a silent/synonymous amino acid change and it is not expected to impact splicing.

Labcorp Genetics (formerly Invitae), Labcorp
Classification: Likely benign for Hereditary nonpolyposis colorectal neoplasms. Last evaluated: 2023-10-05. Review status: criteria provided, single submitter. Criteria: Invitae Variant Classification Sherloc (09022015). Collection method: clinical testing. Allele origin: germline.

Ambry Genetics
Classification: Likely benign for Hereditary cancer-predisposing syndrome. Last evaluated: 2020-11-24. Review status: criteria provided, single submitter. Criteria: Ambry Variant Classification Scheme 2023. Collection method: clinical testing. Allele origin: germline.

NM_000179.3(MSH6):c.3075G>A (p.Arg1025=)

Gene: MSH6 (mutS homolog 6; plus strand). Cytogenetic location: 2p16.3.
Variant type: single nucleotide variant.
Coding change: c.3075G>A on transcript NM_000179.3 (MANE Select); coding-DNA position 3075, G replaced by A.
Protein change: p.Arg1025=; no amino-acid change (arginine 1025 retained).
Molecular consequence: synonymous variant.
Genome position (GRCh38, 1-based): chr2:47,801,058, G>A. VCF-style: chr2-47801058-G-A. GRCh37 (hg19) VCF-style: chr2-48028197-G-A.
Other names: c.2685G>A, p.Arg895= (NM_001281492.2); c.2169G>A, p.Arg723= (NM_001281493.2, NM_001281494.2).
Identifiers: ClinVar variation 796752 (VCV000796752.14), dbSNP rs969175054, ClinGen allele CA426121812.